The following is an entry in ClinVar:

ClinVar aggregate classification (germline): Uncertain significance. Review status: reviewed by expert panel (3 of 4 stars). 5 submissions from 5 submitters: Uncertain significance (1). 4 of the submissions do not count toward it. Last evaluated 2024-09-30.

Conditions:
RUNX1-related disorder. Also called: RUNX1-related condition.
Hereditary thrombocytopenia and hematologic cancer predisposition syndrome. Identifiers: Orphanet 71290, MedGen CN281654, MONDO:0011071.
Inborn genetic diseases. Identifiers: MedGen C0950123, MeSH D030342.
Hereditary thrombocytopenia and hematological cancer predisposition syndrome associated with RUNX1. Also called: Familial Platelet Disorder with Propensity to Acute Myelogenous Leukemia; Familial thrombocytopenia with propensity to acute myelogenous leukemia; PLATELET DISORDER, ASPIRIN-LIKE; RUNX1 Familial Platelet Disorder with Associated Myeloid Malignancies. Identifiers: Orphanet 71290, MedGen C1832388, MeSH C563324, MONDO:0100083, OMIM 601399.

Allele frequency attached by ClinVar (database versions not stated): gnomAD exomes 0.00001 and 0.00003; ExAC 0.00007; TOPMed below 0.00001.
gnomAD v4.1: 8 of 1,604,982 alleles (0.0005%); highest among the groups gnomAD compares: Admixed American, 0.014%; no homozygotes.

Submissions (5):

ClinGen Myeloid Malignancy Variant Curation Expert Panel
Classification: Uncertain significance for Hereditary thrombocytopenia and hematologic cancer predisposition syndrome. Last evaluated: 2024-09-30. Review status: reviewed by expert panel. Criteria: ClinGen MyeloMalig ACMG Specifications v2. Collection method: curation. Allele origin: germline. Inheritance: Autosomal dominant inheritance.
Comment: NM_001754.4:c.1007T>C is a missense variant which has an MAF of 0.0002133 (0.02%, 7/32818 alleles) in the Latino subpopulation of the gnomAD v2.1.1 cohort, which is between 0.00015 (0.015%) and 0.0015 (0.15%) (BS1). This missense variant has a REVEL score >0.75 (0.791) (PP3). The variant has not been reported in the germ line of patients with familial platelet disorder with predisposition to hematologic malignancies in the literature, to the best of our knowledge. In summary, the clinical significance of this variant is uncertain. ACMG/AMP criteria applied, as specified by the Myeloid Malignancy Variant Curation Expert Panel for RUNX1: BS1, PP3.

Labcorp Genetics (formerly Invitae), Labcorp
Classification: Uncertain significance for Hereditary thrombocytopenia and hematological cancer predisposition syndrome associated with RUNX1. Last evaluated: 2025-10-08. Review status: criteria provided, single submitter. Criteria: Invitae Variant Classification Sherloc (09022015). Collection method: clinical testing. Allele origin: germline. Not counted in ClinVar's aggregate classification.
Comment: This sequence change replaces phenylalanine, which is neutral and non-polar, with serine, which is neutral and polar, at codon 336 of the RUNX1 protein (p.Phe336Ser). This variant is present in population databases (rs752745196, gnomAD 0.02%). This variant has not been reported in the literature in individuals affected with RUNX1-related conditions. ClinVar contains an entry for this variant (Variation ID: 409815). Invitae Evidence Modeling of protein sequence and biophysical properties (such as structural, functional, and spatial information, amino acid conservation, physicochemical variation, residue mobility, and thermodynamic stability) has been performed for this missense variant. However, the output from this modeling did not meet the statistical confidence thresholds required to predict the impact of this variant on RUNX1 protein function. In summary, the available evidence is currently insufficient to determine the role of this variant in disease. Therefore, it has been classified as a Variant of Uncertain Significance.

Ambry Genetics
Classification: Uncertain significance for Inborn genetic diseases. Last evaluated: 2025-02-07. Review status: criteria provided, single submitter. Criteria: Ambry Variant Classification Scheme 2023. Collection method: clinical testing. Allele origin: germline. Not counted in ClinVar's aggregate classification.
Comment: The p.F336S variant (also known as c.1007T>C), located in coding exon 8 of the RUNX1 gene, results from a T to C substitution at nucleotide position 1007. The phenylalanine at codon 336 is replaced by serine, an amino acid with highly dissimilar properties. This amino acid position is highly conserved in available vertebrate species. In addition, this alteration is predicted to be deleterious by in silico analysis. Based on the available evidence, the clinical significance of this variant remains unclear.

GeneDx
Classification: Uncertain significance. Last evaluated: 2023-09-28. Review status: criteria provided, single submitter. Criteria: GeneDx Variant Classification Process June 2021. Collection method: clinical testing. Allele origin: germline. Affected: yes. Not counted in ClinVar's aggregate classification.
Comment: In silico analysis supports that this missense variant has a deleterious effect on protein structure/function; Has not been previously published as pathogenic or benign to our knowledge

PreventionGenetics, part of Exact Sciences
Classification: Uncertain significance for RUNX1-related condition. Last evaluated: 2023-01-26. Review status: criteria provided, single submitter. Criteria: ACMG Guidelines, 2015. Collection method: clinical testing. Allele origin: germline. Not counted in ClinVar's aggregate classification.
Comment: The RUNX1 c.1007T>C variant is predicted to result in the amino acid substitution p.Phe336Ser. To our knowledge, this variant has not been reported in the literature. This variant is reported in 0.021% of alleles in individuals of Latino descent in gnomAD and is interpreted as uncertain significance in ClinVar. At this time, the clinical significance of this variant is uncertain due to the absence of conclusive functional and genetic evidence.

NM_001754.5(RUNX1):c.1007T>C (p.Phe336Ser)

Gene: RUNX1 (RUNX family transcription factor 1; minus strand). Cytogenetic location: 21q22.12.
Variant type: single nucleotide variant.
Coding change: c.1007T>C on transcript NM_001754.5 (MANE Select); coding-DNA position 1007, T replaced by C.
Protein change: p.Phe336Ser; replaces phenylalanine 336 with serine.
Molecular consequence: missense variant.
Genome position (GRCh38, 1-based): chr21:34,792,571, A>G on the plus strand (T>C on the coding strand, the complement: RUNX1 is on the minus strand). VCF-style: chr21-34792571-A-G. GRCh37 (hg19) VCF-style: chr21-36164868-A-G.
Other names: NM_001754.5(RUNX1):c.1007T>C; p.Phe336Ser; c.926T>C, p.Phe309Ser (NM_001001890.3); short protein forms F336S, F309S.
Identifiers: ClinVar variation 409815 (VCV000409815.12), dbSNP rs752745196, ClinGen allele CA10014221.